The following is an entry in ClinVar:

ClinVar aggregate classification (germline): Uncertain significance. Review status: criteria provided, multiple submitters, no conflicts (2 of 4 stars). 2 submissions from 2 submitters: Uncertain significance (2). Last evaluated 2022-09-03.

Conditions:
Osteogenesis imperfecta (OI). Identifiers: Orphanet 666, MedGen C0029434, MeSH D010013, MONDO:0019019.

Allele frequency attached by ClinVar (database versions not stated): gnomAD exomes 0.00001; TOPMed 0.00001.

Submissions (2):

Labcorp Genetics (formerly Invitae), Labcorp
Classification: Uncertain significance. Last evaluated: 2022-09-03. Review status: criteria provided, single submitter. Criteria: Invitae Variant Classification Sherloc (09022015). Collection method: clinical testing. Allele origin: germline.
Comment: In summary, the available evidence is currently insufficient to determine the role of this variant in disease. Therefore, it has been classified as a Variant of Uncertain Significance. Algorithms developed to predict the effect of missense changes on protein structure and function are either unavailable or do not agree on the potential impact of this missense change (SIFT: "Deleterious"; PolyPhen-2: "Probably Damaging"; Align-GVGD: "Class C15"). This variant has not been reported in the literature in individuals affected with PLS3-related conditions. This variant is not present in population databases (gnomAD no frequency). This sequence change replaces glycine, which is neutral and non-polar, with glutamic acid, which is acidic and polar, at codon 30 of the PLS3 protein (p.Gly30Glu).

Genome Diagnostics Laboratory, The Hospital for Sick Children
Classification: Uncertain significance for Osteogenesis imperfecta. Last evaluated: 2018-09-28. Review status: criteria provided, single submitter. Criteria: ACMG Guidelines, 2015. Collection method: clinical testing. Allele origin: germline.

NM_005032.7(PLS3):c.89G>A (p.Gly30Glu)

Gene: PLS3 (plastin 3; plus strand). Cytogenetic location: Xq23.
Variant type: single nucleotide variant.
Coding change: c.89G>A on transcript NM_005032.7 (MANE Select); coding-DNA position 89, G replaced by A.
Protein change: p.Gly30Glu; replaces glycine 30 with glutamic acid.
Molecular consequence: missense variant. On other transcripts: 5 prime UTR variant (1).
Genome position (GRCh38, 1-based): chrX:115,622,261, G>A. VCF-style: chrX-115622261-G-A. GRCh37 (hg19) VCF-style: chrX-114856573-G-A.
Other names: c.89G>A, p.Gly30Glu (NM_001136025.5, NM_001172335.3); c.23G>A, p.Gly8Glu (NM_001282337.2); c.-47G>A (NM_001282338.2); short protein forms G30E, G8E.
Identifiers: ClinVar variation 1702047 (VCV001702047.8), dbSNP rs2074663738, ClinGen allele CA414331352.
Genomic context (GRCh38, chrX:115,622,261, plus strand): 5'-TTTCAATTTTTTTTCCTTTTTTGCTTGCTCTCCTTTTTTACAAAGATCTCAACAGCAACG[G>A]ATTCATTTGTGACTATGAACTTCATGAGCTCTTCAAGGAAGCTAATATGCCATTACCAGG-3'
Protein context (NP_005023.2, residues 20-40): AFAKVDLNSN[Gly30Glu]FICDYELHEL